The following is an entry in ClinVar:

NM_206933.4(USH2A):c.9571-2A>C

Gene: USH2A (usherin; minus strand). Cytogenetic location: 1q41.
Variant type: single nucleotide variant.
Coding change: c.9571-2A>C on transcript NM_206933.4 (MANE Select); the canonical splice acceptor site of the intron before coding-DNA position 9571, A replaced by C.
Molecular consequence: splice acceptor variant.
Genome position (GRCh38, 1-based): chr1:215,813,906, T>G on the plus strand (A>C on the coding strand, the complement: USH2A is on the minus strand). VCF-style: chr1-215813906-T-G. GRCh37 (hg19) VCF-style: chr1-215987248-T-G.
Identifiers: ClinVar variation 4062775 (VCV004062775.2).

ClinVar aggregate classification (germline): Pathogenic (1 of 4 stars; one submission).

Conditions:
Usher syndrome type 2A. Also called: RETINAL DISEASE IN USHER SYNDROME TYPE IIA, MODIFIER OF; USHER SYNDROME, TYPE IIA. Identifiers: Orphanet 231178, Orphanet 886, MedGen C1848634, MONDO:0010169, OMIM 276901.

Submission:

Natera, Inc.
Classification: Pathogenic for Usher syndrome type 2A. Last evaluated: 2025-02-20. Review status: criteria provided, single submitter. Criteria: Natera Variant Classification Schema (03/2026). Collection method: clinical testing. Allele origin: germline.
Comment: The c.9571-2A>C variant in USH2A is a canonical splice acceptor site variant predicted to affect pre-mRNA splicing, which may result in an abnormal transcript and altered protein product. This variant is expected to result in nonsense mediated decay, truncation, or a dysfunctional protein product. This variant is rare in the general population with a frequency below the threshold expected for the associated phenotype(s). This variant has been observed in one or more individuals affected with the associated recessive disease, as either homozygous or compound heterozygous with a second variant (PMID: 39596236). Another variant at this same site results in an alteration predicted to cause a similar molecular effect has been observed in individual(s) with the associated phenotype. Given the available evidence, this variant is classified as Pathogenic.

Literature cited by the submitters: PubMed 39596236.